The following is an entry in ClinVar:

NM_000218.3(KCNQ1):c.1794+2T>C

Gene: KCNQ1 (potassium voltage-gated channel subfamily Q member 1; plus strand). Cytogenetic location: 11p15.5.
Variant type: single nucleotide variant.
Coding change: c.1794+2T>C on transcript NM_000218.3 (MANE Select); the canonical splice donor site of the intron after coding-DNA position 1794, T replaced by C.
Molecular consequence: splice donor variant.
Genome position (GRCh38, 1-based): chr11:2,778,039, T>C. VCF-style: chr11-2778039-T-C. GRCh37 (hg19) VCF-style: chr11-2799269-T-C.
Other names: c.1524+2T>C (NM_001406837.1); c.1698+2T>C (NM_001406836.1); c.1254+2T>C (NM_001406838.1); c.1413+2T>C (NM_181798.2); c.306+2T>C (NM_001406839.1).
Identifiers: ClinVar variation 2587406 (VCV002587406.2), dbSNP rs2494146135, ClinGen allele CA379139828.
Genomic context (GRCh38, chr11:2,778,039, plus strand): 5'-AGAGCAAGGATCGCGGCAGCAACACGATCGGCGCCCGCCTGAACCGAGTAGAAGACAAGG[T>C]AGGCTCACGCGCCGGCCTGCGGTGGTTCTGGTTAGCGTCCTGGGGCCAGCAGGCACCTCC-3'

ClinVar aggregate classification (germline): Likely pathogenic (1 of 4 stars; one submission).

Conditions:
Cardiovascular phenotype. Identifiers: MedGen CN230736.

Submission:

Ambry Genetics
Classification: Likely pathogenic for Cardiovascular phenotype. Last evaluated: 2023-08-26. Review status: criteria provided, single submitter. Criteria: Ambry Variant Classification Scheme 2023. Collection method: clinical testing. Allele origin: germline.
Comment: The c.1794+2T>C intronic variant results from a T to C substitution two nucleotides after coding exon 15 in the KCNQ1 gene. This alteration occurs at the 3' terminus of the KCNQ1 gene, is not expected to trigger nonsense-mediated mRNA decay, and impacts the last 11% of the protein. The exact functional effect of this alteration is unknown; however, a significant portion of the protein is predicted to be affected (Ambry internal data). This variant is considered to be rare based on population cohorts in the Genome Aggregation Database (gnomAD). This nucleotide position is highly conserved in available vertebrate species. In silico splice site analysis predicts that this alteration will weaken the native splice donor site. Based on the majority of available evidence to date, this variant is likely to be pathogenic.